The following is an entry in ClinVar:

NM_000135.4(FANCA):c.2468C>T (p.Thr823Ile)

Gene: FANCA (FA complementation group A; minus strand). Cytogenetic location: 16q24.3.
Variant type: single nucleotide variant.
Coding change: c.2468C>T on transcript NM_000135.4 (MANE Select); coding-DNA position 2468, C replaced by T.
Protein change: p.Thr823Ile; replaces threonine 823 with isoleucine.
Molecular consequence: missense variant.
Genome position (GRCh38, 1-based): chr16:89,769,873, G>A on the plus strand (C>T on the coding strand, the complement: FANCA is on the minus strand). VCF-style: chr16-89769873-G-A. GRCh37 (hg19) VCF-style: chr16-89836281-G-A.
Other names: c.2468C>T, p.Thr823Ile (NM_001286167.3); short protein forms T823I.
Identifiers: ClinVar variation 4022356 (VCV004022356.1).

ClinVar aggregate classification (germline): Uncertain significance (1 of 4 stars; one submission).

Conditions:
Inborn genetic diseases. Identifiers: MedGen C0950123, MeSH D030342.

gnomAD v4.1: 5 of 1,614,018 alleles (0.00031%); highest among the groups gnomAD compares: African/African-American, 0.0013%; no homozygotes.

Submission:

Ambry Genetics
Classification: Uncertain significance for Inborn genetic diseases. Last evaluated: 2025-06-07. Review status: criteria provided, single submitter. Criteria: Ambry Variant Classification Scheme 2023. Collection method: clinical testing. Allele origin: germline.
Comment: The p.T823I variant (also known as c.2468C>T), located in coding exon 26 of the FANCA gene, results from a C to T substitution at nucleotide position 2468. The threonine at codon 823 is replaced by isoleucine, an amino acid with similar properties. This amino acid position is conserved. In addition, this alteration is predicted to be tolerated by in silico analysis. Based on the available evidence, the clinical significance of this variant remains unclear.